The following is an entry in ClinVar:

NM_001099274.3(TINF2):c.517G>A (p.Val173Met)

Gene: TINF2 (TERF1 interacting nuclear factor 2; minus strand). Cytogenetic location: 14q12.
Variant type: single nucleotide variant.
Coding change: c.517G>A on transcript NM_001099274.3 (MANE Select); coding-DNA position 517, G replaced by A.
Protein change: p.Val173Met; replaces valine 173 with methionine.
Molecular consequence: missense variant.
Genome position (GRCh38, 1-based): chr14:24,241,107, C>T on the plus strand (G>A on the coding strand, the complement: TINF2 is on the minus strand). VCF-style: chr14-24241107-C-T. GRCh37 (hg19) VCF-style: chr14-24710313-C-T.
Other names: c.412G>A, p.Val138Met (NM_001363668.2); c.517G>A, p.Val173Met (NM_012461.3); short protein forms V173M, V138M.
Identifiers: ClinVar variation 863456 (VCV000863456.13), dbSNP rs2040569011, ClinGen allele CA389231003.
Genomic context (GRCh38, chr14:24,241,107, plus strand): 5'-CATATTGTCTCCAGGCAAGAGAAGAGGTGATAGAGACTCCAGGCTGCATCCAACTCAGCA[C>T]ATCCTGAAGCTGTGGGCAGGGACAGAGGTATGAAGACCACAATCCTTGAAACAGCCACCC-3'
Protein context (NP_001092744.1, residues 163-183): PTPQAQQLQD[Val173Met]LSWMQPGVSI

ClinVar aggregate classification (germline): Uncertain significance. Review status: criteria provided, multiple submitters, no conflicts (2 of 4 stars). 3 submissions from 2 submitters: Uncertain significance (3). Last evaluated 2024-11-18.

Conditions:
Revesz syndrome. Also called: DYSKERATOSIS CONGENITA, AUTOSOMAL DOMINANT 5; EXUDATIVE RETINOPATHY WITH BONE MARROW FAILURE. Identifiers: Orphanet 3088, MedGen C1327916, MONDO:0009990, OMIM 268130.
Dyskeratosis congenita. Identifiers: Orphanet 1775, MedGen C0265965, MONDO:0015780.
Dyskeratosis congenita, autosomal dominant 3. Identifiers: MedGen C3151445, MONDO:0013522, OMIM 613990.

Submissions (3):

Labcorp Genetics (formerly Invitae), Labcorp
Classification: Uncertain significance for Dyskeratosis congenita. Last evaluated: 2024-11-18. Review status: criteria provided, single submitter. Criteria: Invitae Variant Classification Sherloc (09022015). Collection method: clinical testing. Allele origin: germline.
Comment: This sequence change replaces valine, which is neutral and non-polar, with methionine, which is neutral and non-polar, at codon 173 of the TINF2 protein (p.Val173Met). This variant is not present in population databases (gnomAD no frequency). This variant has not been reported in the literature in individuals affected with TINF2-related conditions. ClinVar contains an entry for this variant (Variation ID: 863456). An algorithm developed to predict the effect of missense changes on protein structure and function (PolyPhen-2) suggests that this variant is likely to be disruptive. In summary, the available evidence is currently insufficient to determine the role of this variant in disease. Therefore, it has been classified as a Variant of Uncertain Significance.

Illumina Laboratory Services, Illumina
Classification: Uncertain significance for Revesz syndrome. Last evaluated: 2018-01-12. Review status: criteria provided, single submitter. Criteria: ICSL Variant Classification Criteria 13 December 2019. Collection method: clinical testing. Allele origin: germline.

Illumina Laboratory Services, Illumina
Classification: Uncertain significance for Dyskeratosis congenita, autosomal dominant 3. Last evaluated: 2018-01-12. Review status: criteria provided, single submitter. Criteria: ICSL Variant Classification Criteria 13 December 2019. Collection method: clinical testing. Allele origin: germline.